The following is an entry in ClinVar:

NM_001382391.1(CSPP1):c.1648G>A (p.Ala550Thr)

Gene: CSPP1 (centrosome and spindle pole associated protein 1; plus strand). Cytogenetic location: 8q13.2.
Variant type: single nucleotide variant.
Coding change: c.1648G>A on transcript NM_001382391.1 (MANE Select); coding-DNA position 1648, G replaced by A.
Protein change: p.Ala550Thr; replaces alanine 550 with threonine.
Molecular consequence: missense variant.
Genome position (GRCh38, 1-based): chr8:67,118,772, G>A. VCF-style: chr8-67118772-G-A. GRCh37 (hg19) VCF-style: chr8-68031007-G-A.
Other names: c.751G>A, p.Ala251Thr (NM_001291339.2); c.1567G>A, p.Ala523Thr (NM_001363131.2); c.1606G>A, p.Ala536Thr (NM_001363132.2); c.1525G>A, p.Ala509Thr (NM_001363133.2); c.1714G>A, p.Ala572Thr (NM_001364869.1); c.1534G>A, p.Ala512Thr (NM_001364870.1); c.1633G>A, p.Ala545Thr (NM_024790.7); short protein forms A251T, A512T, A523T, A550T, A572T, A545T, A509T, A536T.
Identifiers: ClinVar variation 1485687 (VCV001485687.8), dbSNP rs1028530380, ClinGen allele CA178211783.

ClinVar aggregate classification (germline): Uncertain significance (1 of 4 stars; one submission).

Conditions:
Joubert syndrome 21 (JBTS21). Identifiers: MedGen C3810212, MONDO:0014288, OMIM 615636.

Submission:

Labcorp Genetics (formerly Invitae), Labcorp
Classification: Uncertain significance for Joubert syndrome 21. Last evaluated: 2023-08-04. Review status: criteria provided, single submitter. Criteria: Invitae Variant Classification Sherloc (09022015). Collection method: clinical testing. Allele origin: germline.
Comment: In summary, the available evidence is currently insufficient to determine the role of this variant in disease. Therefore, it has been classified as a Variant of Uncertain Significance. Algorithms developed to predict the effect of missense changes on protein structure and function output the following: SIFT: "Not Available"; PolyPhen-2: "Benign"; Align-GVGD: "Not Available". The threonine amino acid residue is found in multiple mammalian species, which suggests that this missense change does not adversely affect protein function. ClinVar contains an entry for this variant (Variation ID: 1485687). This variant has not been reported in the literature in individuals affected with CSPP1-related conditions. This variant is not present in population databases (gnomAD no frequency). This sequence change replaces alanine, which is neutral and non-polar, with threonine, which is neutral and polar, at codon 545 of the CSPP1 protein (p.Ala545Thr).